The following is an entry in ClinVar:

ClinVar aggregate classification (germline): Uncertain significance. Review status: criteria provided, multiple submitters, no conflicts (2 of 4 stars). 2 submissions from 2 submitters: Uncertain significance (2). Last evaluated 2024-04-19.

Conditions:
POLD1-related polyposis and colorectal cancer syndrome (CRCS10). Also called: Colorectal cancer, susceptibility to, 10; Colorectal cancer 10; COLORECTAL CANCER, SUSCEPTIBILITY TO, ON CHROMOSOME 19q. Identifiers: Orphanet 220460, MedGen C2675481, MONDO:0012953, OMIM 612591.
Hereditary cancer-predisposing syndrome. Also called: Tumor predisposition; Hereditary Cancer Syndrome; Hereditary neoplastic syndrome; Neoplastic Syndromes, Hereditary. Identifiers: Orphanet 140162, MedGen C0027672, MeSH D009386, MONDO:0015356.

Submissions (2):

Ambry Genetics
Classification: Uncertain significance for Hereditary cancer-predisposing syndrome. Last evaluated: 2024-04-19. Review status: criteria provided, single submitter. Criteria: Ambry Variant Classification Scheme 2023. Collection method: clinical testing. Allele origin: germline.
Comment: The p.D1068N variant (also known as c.3202G>A), located in coding exon 25 of the POLD1 gene, results from a G to A substitution at nucleotide position 3202. The aspartic acid at codon 1068 is replaced by asparagine, an amino acid with highly similar properties. This amino acid position is conserved. In addition, this alteration is predicted to be tolerated by in silico analysis. Based on the available evidence, the clinical significance of this variant remains unclear.

Labcorp Genetics (formerly Invitae), Labcorp
Classification: Uncertain significance for POLD1-related polyposis and colorectal cancer syndrome. Last evaluated: 2023-09-04. Review status: criteria provided, single submitter. Criteria: Invitae Variant Classification Sherloc (09022015). Collection method: clinical testing. Allele origin: germline.
Comment: This sequence change replaces aspartic acid, which is acidic and polar, with asparagine, which is neutral and polar, at codon 1068 of the POLD1 protein (p.Asp1068Asn). This variant is not present in population databases (gnomAD no frequency). This variant has not been reported in the literature in individuals affected with POLD1-related conditions. ClinVar contains an entry for this variant (Variation ID: 1409140). Advanced modeling of protein sequence and biophysical properties (such as structural, functional, and spatial information, amino acid conservation, physicochemical variation, residue mobility, and thermodynamic stability) performed at Invitae indicates that this missense variant is not expected to disrupt POLD1 protein function. In summary, the available evidence is currently insufficient to determine the role of this variant in disease. Therefore, it has been classified as a Variant of Uncertain Significance.

NM_002691.4(POLD1):c.3202G>A (p.Asp1068Asn)

Gene: POLD1 (DNA polymerase delta 1, catalytic subunit; plus strand). Cytogenetic location: 19q13.33.
Variant type: single nucleotide variant.
Coding change: c.3202G>A on transcript NM_002691.4 (MANE Select); coding-DNA position 3202, G replaced by A.
Protein change: p.Asp1068Asn; replaces aspartic acid 1068 with asparagine.
Molecular consequence: missense variant. On other transcripts: non-coding transcript variant (1).
Genome position (GRCh38, 1-based): chr19:50,417,253, G>A. VCF-style: chr19-50417253-G-A. GRCh37 (hg19) VCF-style: chr19-50920510-G-A.
Other names: c.3202G>A (NM_002691.2); c.3202G>A, p.Asp1068Asn (NM_001256849.1); c.3280G>A, p.Asp1094Asn (NM_001308632.1); short protein forms D1094N, D1068N.
Identifiers: ClinVar variation 1409140 (VCV001409140.9), dbSNP rs2122509018, ClinGen allele CA406987520.